The following is an entry in ClinVar:

NM_000051.4(ATM):c.4237G>A (p.Asp1413Asn)

Gene: ATM (ATM serine/threonine kinase; plus strand). Cytogenetic location: 11q22.3.
Variant type: single nucleotide variant.
Coding change: c.4237G>A on transcript NM_000051.4 (MANE Select); coding-DNA position 4237, G replaced by A.
Protein change: p.Asp1413Asn; replaces aspartic acid 1413 with asparagine.
Molecular consequence: missense variant.
Genome position (GRCh38, 1-based): chr11:108,289,602, G>A. VCF-style: chr11-108289602-G-A. GRCh37 (hg19) VCF-style: chr11-108160329-G-A.
Other names: c.4237G>A, p.Asp1413Asn (NM_001351834.2); short protein forms D1413N.
Identifiers: ClinVar variation 478950 (VCV000478950.25), dbSNP rs1337392659, ClinGen allele CA382530921.

ClinVar aggregate classification (germline): Uncertain significance. Review status: criteria provided, multiple submitters, no conflicts (2 of 4 stars). 5 submissions from 5 submitters: Uncertain significance (4). 1 of the submissions does not count toward it. Last evaluated 2025-07-09.

Conditions:
Hereditary cancer-predisposing syndrome. Also called: Tumor predisposition; Neoplastic Syndromes, Hereditary; Hereditary Cancer Syndrome; Hereditary neoplastic syndrome. Identifiers: Orphanet 140162, MedGen C0027672, MeSH D009386, MONDO:0015356.
Ataxia-telangiectasia syndrome (AT). Also called: Cerebello-oculocutaneous telangiectasia; Immunodeficiency with ataxia telangiectasia; ATAXIA-TELANGIECTASIA, COMPLEMENTATION GROUP A; Ataxia-telangiectasia, complementation group D; AT, COMPLEMENTATION GROUP C; ATAXIA-TELANGIECTASIA, FRESNO VARIANT. Identifiers: Orphanet 100, MedGen C0004135, MONDO:0008840, OMIM 208900.

Submissions (5):

Ambry Genetics
Classification: Uncertain significance for Hereditary cancer-predisposing syndrome. Last evaluated: 2025-07-09. Review status: criteria provided, single submitter. Criteria: Ambry Variant Classification Scheme 2023. Collection method: clinical testing. Allele origin: germline.
Comment: The p.D1413N variant (also known as c.4237G>A) is located in coding exon 28 of the ATM gene. The aspartic acid at codon 1413 is replaced by asparagine, an amino acid with highly similar properties. This change occurs in the first base pair of coding exon 28. This alteration was detected in 1/5589 German BRCA1/2-negative probands with breast cancer (Hauke J et al. Cancer Med, 2018 04;7:1349-1358). This amino acid position is well conserved in available vertebrate species. In addition, this alteration is predicted to be tolerated by in silico analysis. Since supporting evidence is limited at this time, the clinical significance of this alteration remains unclear.

Labcorp Genetics (formerly Invitae), Labcorp
Classification: Uncertain significance for Ataxia-telangiectasia syndrome. Last evaluated: 2024-11-25. Review status: criteria provided, single submitter. Criteria: Invitae Variant Classification Sherloc (09022015). Collection method: clinical testing. Allele origin: germline.
Comment: This sequence change replaces aspartic acid, which is acidic and polar, with asparagine, which is neutral and polar, at codon 1413 of the ATM protein (p.Asp1413Asn). This variant is not present in population databases (gnomAD no frequency). This variant has not been reported in the literature in individuals affected with ATM-related conditions. ClinVar contains an entry for this variant (Variation ID: 478950). An algorithm developed to predict the effect of missense changes on protein structure and function (PolyPhen-2) suggests that this variant is likely to be tolerated. In summary, the available evidence is currently insufficient to determine the role of this variant in disease. Therefore, it has been classified as a Variant of Uncertain Significance.

Color Diagnostics, LLC DBA Color Health
Classification: Uncertain significance for Hereditary cancer-predisposing syndrome. Last evaluated: 2024-10-30. Review status: criteria provided, single submitter. Criteria: ACMG Guidelines, 2015. Collection method: clinical testing. Allele origin: germline.
Comment: This missense variant replaces aspartic acid with asparagine at codon 1413 of the ATM protein. Computational prediction suggests that this variant may not impact protein structure and function. To our knowledge, functional studies have not been reported for this variant. This variant has not been reported in individuals affected with ATM-related disorders in the literature. This variant has not been identified in the general population by the Genome Aggregation Database (gnomAD). The available evidence is insufficient to determine the role of this variant in disease conclusively. Therefore, this variant is classified as a Variant of Uncertain Significance.

Women's Health and Genetics/Laboratory Corporation of America, LabCorp
Classification: Uncertain significance. Last evaluated: 2023-11-09. Review status: criteria provided, single submitter. Criteria: LabCorp Variant Classification Summary - May 2015. Collection method: clinical testing. Allele origin: germline.
Comment: Variant summary: ATM c.4237G>A (p.Asp1413Asn) results in a conservative amino acid change in the encoded protein sequence. Three of five in-silico tools predict a benign effect of the variant on protein function. Consensus agreement among computation tools predict no significant impact on normal splicing. However, these predictions have yet to be confirmed by functional studies. The variant was absent in 244394 control chromosomes. The available data on variant occurrences in the general population are insufficient to allow any conclusion about variant significance. c.4237G>A has been reported in the literature in one individual affected with Breast Cancer and was classified by the authors as a VUS (e.g. Hauke_2018). This report does not provide unequivocal conclusions about association of the variant with Breast Cancer. To our knowledge, no experimental evidence demonstrating an impact on protein function has been reported. The following publication has been ascertained in the context of this evaluation (PMID: 29522266). Four submitters have cited clinical-significance assessments for this variant to ClinVar after 2014. All submitters classified the variant as uncertain significance. Based on the evidence outlined above, the variant was classified as uncertain significance.

Natera, Inc.
Classification: Uncertain significance for Ataxia-telangiectasia. Last evaluated: 2020-09-01. Review status: no assertion criteria provided. Collection method: clinical testing. Allele origin: germline. Not counted in ClinVar's aggregate classification.

Literature cited by the submitters: PubMed 29522266 (cited by Ambry Genetics and Women's Health and Genetics/Laboratory Corporation of America, LabCorp).